The following is an entry in ClinVar:

ClinVar aggregate classification (germline): Uncertain significance (1 of 4 stars; one submission).

Conditions:
Myosin storage myopathy (CMYO7A). Also called: SCAPULOPERONEAL MUSCULAR DYSTROPHY; SCAPULOPERONEAL SYNDROME, MYOPATHIC TYPE; MYH7-related late-onset scapuloperoneal muscular dystrophy; Congenital myopathy 7A, myosin storage, autosomal dominant; MYOPATHY, HYALINE BODY, AUTOSOMAL DOMINANT; Scapuloperoneal myopathy, MYH7-related. Identifiers: Orphanet 437572, Orphanet 636965, MedGen C1842160, MONDO:0008409, OMIM 608358.

Submission:

Neuberg Centre For Genomic Medicine, NCGM
Classification: Uncertain significance for Myosin storage myopathy. Last evaluated: 2023-05-20. Review status: criteria provided, single submitter. Criteria: ACMG Guidelines, 2015. Collection method: clinical testing. Allele origin: germline. Inheritance: Autosomal dominant inheritance. Affected: yes.
Comment: The missense variant c.2869C>A (p.Leu957Met) in the MYH7 gene which is located in a mutational hot spot has not been reported previously as a pathogenic variant nor as a benign variant, to our knowledge. The variant is absent in the gnomAD Exomes. The amino acid Leucine at position 957 is changed to a Methionine changing protein sequence and it might alter its composition and physico- chemical properties. Multiple lines of computational evidence (Polyphen - Damaging, SIFT - Damaging and MutationTaster - Disease causing) predict a damaging effect on protein structure and function for this variant. The amino acid change p.Leu957Met in MYH7 is predicted as conserved by GERP++ and PhyloP across 100 vertebrates. For these reasons, this variant has been classified as Uncertain Significance.

NM_000257.4(MYH7):c.2869C>A (p.Leu957Met)

Gene: MYH7 (myosin heavy chain 7; minus strand). Cytogenetic location: 14q11.2.
Variant type: single nucleotide variant.
Coding change: c.2869C>A on transcript NM_000257.4 (MANE Select); coding-DNA position 2869, C replaced by A.
Protein change: p.Leu957Met; replaces leucine 957 with methionine.
Molecular consequence: missense variant.
Genome position (GRCh38, 1-based): chr14:23,423,960, G>T on the plus strand (C>A on the coding strand, the complement: MYH7 is on the minus strand). VCF-style: chr14-23423960-G-T. GRCh37 (hg19) VCF-style: chr14-23893169-G-T.
Other names: c.2869C>A, p.Leu957Met (NM_001407004.1); short protein forms L957M.
Identifiers: ClinVar variation 3341419 (VCV003341419.1).